The following is an entry in ClinVar:

ClinVar aggregate classification (germline): Uncertain significance (1 of 4 stars; one submission).

gnomAD v4.1: 4 of 1,614,020 alleles (0.00025%); highest among the groups gnomAD compares: Middle Eastern, 0.033%; no homozygotes.

Submission:

GeneDx
Classification: Uncertain significance. Last evaluated: 2023-11-30. Review status: criteria provided, single submitter. Criteria: GeneDx Variant Classification Process June 2021. Collection method: clinical testing. Allele origin: germline. Affected: yes.
Comment: Not observed at significant frequency in large population cohorts (gnomAD); In silico analysis supports that this variant does not alter splicing; Has not been previously published as pathogenic or benign to our knowledge

NM_012463.4(ATP6V0A2):c.1116C>G (p.Thr372=)

Gene: ATP6V0A2 (ATPase H+ transporting V0 subunit a2; plus strand). Cytogenetic location: 12q24.31.
Variant type: single nucleotide variant.
Coding change: c.1116C>G on transcript NM_012463.4 (MANE Select); coding-DNA position 1116, C replaced by G.
Protein change: p.Thr372=; no amino-acid change (threonine 372 retained).
Molecular consequence: synonymous variant.
Genome position (GRCh38, 1-based): chr12:123,743,862, C>G. VCF-style: chr12-123743862-C-G. GRCh37 (hg19) VCF-style: chr12-124228409-C-G.
Identifiers: ClinVar variation 3364825 (VCV003364825.1).
Genomic context (GRCh38, chr12:123,743,862, plus strand): 5'-AATCCCCTCATTCATGAATATAATCCCCACAAAAGAAACACCCCCCACTCGGATCCGCAC[C>G]AACAAATTCACCGAGGGATTTCAGAACATCGTGGATGCTTATGGAGTCGGAAGCTACAGA-3'
Protein context (NP_036595.2, residues 362-382): TKETPPTRIR[Thr372=]NKFTEGFQNI